The following is an entry in ClinVar:

ClinVar aggregate classification (germline): Uncertain significance (1 of 4 stars; one submission).

Conditions:
Emery-Dreifuss muscular dystrophy (EDMD). Also called: Scapuloperoneal syndrome, X-linked (formerly); Humeroperoneal neuromuscular disease, (formerly). Identifiers: Orphanet 261, MedGen C0410189, MONDO:0016830.

Allele frequency attached by ClinVar (database versions not stated): TOPMed 0.00002.
gnomAD v4.1: 7 of 1,614,034 alleles (0.00043%); highest among the groups gnomAD compares: Non-Finnish European, 0.00059%; no homozygotes.

Submission:

Labcorp Genetics (formerly Invitae), Labcorp
Classification: Uncertain significance for Emery-Dreifuss muscular dystrophy. Last evaluated: 2023-01-31. Review status: criteria provided, single submitter. Criteria: Invitae Variant Classification Sherloc (09022015). Collection method: clinical testing. Allele origin: germline.
Comment: This sequence change replaces threonine, which is neutral and polar, with methionine, which is neutral and non-polar, at codon 638 of the SUN1 protein (p.Thr638Met). This variant is present in population databases (rs539468692, gnomAD 0.0009%). This variant has not been reported in the literature in individuals affected with SUN1-related conditions. ClinVar contains an entry for this variant (Variation ID: 1041730). Algorithms developed to predict the effect of missense changes on protein structure and function are either unavailable or do not agree on the potential impact of this missense change (SIFT: "Deleterious"; PolyPhen-2: "Probably Damaging"; Align-GVGD: "Class C15"). In summary, the available evidence is currently insufficient to determine the role of this variant in disease. Therefore, it has been classified as a Variant of Uncertain Significance.

NM_001130965.3(SUN1):c.1913C>T (p.Thr638Met)

Gene: SUN1 (Sad1 and UNC84 domain containing 1; plus strand). Cytogenetic location: 7p22.3.
Variant type: single nucleotide variant.
Coding change: c.1913C>T on transcript NM_001130965.3 (MANE Select); coding-DNA position 1913, C replaced by T.
Protein change: p.Thr638Met; replaces threonine 638 with methionine.
Molecular consequence: missense variant. On other transcripts: non-coding transcript variant (3).
Genome position (GRCh38, 1-based): chr7:866,000, C>T. VCF-style: chr7-866000-C-T. GRCh37 (hg19) VCF-style: chr7-905637-C-T.
Other names: c.1874C>T, p.Thr625Met (NM_001367689.1, NM_001367667.1); c.2204C>T, p.Thr735Met (NM_001367690.1); c.2153C>T, p.Thr718Met (NM_001367691.1, NM_001367636.1); c.2222C>T, p.Thr741Met (NM_001367692.1); c.2108C>T, p.Thr703Met (NM_001367693.1, NM_001367697.1); c.1910C>T, p.Thr637Met (NM_001367694.1, NM_001367665.1); c.1835C>T, p.Thr612Met (NM_001367695.1); c.1991C>T, p.Thr664Met (NM_001367696.1); and 43 more; short protein forms T615M, T627M, T633M, T654M, T688M, T698M, T699M, T768M.
Identifiers: ClinVar variation 1041730 (VCV001041730.8), dbSNP rs539468692, ClinGen allele CA4112425.
Genomic context (GRCh38, chr7:866,000, plus strand): 5'-CTTTGCTTTAAGGTGGCAGCATCTTGAGTACTCGCTGTTCTGAAACTTACGAAACCAAAA[C>T]GGCGCTGATGAGTCTGTTTGGGATCCCGCTGTGGTACTTCTCGCAGTCCCCGCGCGTGGT-3'
Protein context (NP_001124437.1, residues 628-648): TRCSETYETK[Thr638Met]ALMSLFGIPL